The following is an entry in ClinVar:

ClinVar aggregate classification (germline): Uncertain significance. Review status: criteria provided, multiple submitters, no conflicts (2 of 4 stars). 2 submissions from 2 submitters: Uncertain significance (2). Last evaluated 2025-07-02.

Conditions:
Colorectal cancer, hereditary nonpolyposis, type 7. Identifiers: Orphanet 144, MedGen C1858380, MONDO:0013725, OMIM 614385.

Allele frequency attached by ClinVar (database versions not stated): gnomAD exomes below 0.00001.
gnomAD v4.1: 25 of 1,613,364 alleles (0.0015%); highest among the groups gnomAD compares: Non-Finnish European, 0.002%; no homozygotes.

Submissions (2):

Labcorp Genetics (formerly Invitae), Labcorp
Classification: Uncertain significance for Colorectal cancer, hereditary nonpolyposis, type 7. Last evaluated: 2025-07-02. Review status: criteria provided, single submitter. Criteria: Invitae Variant Classification Sherloc (09022015). Collection method: clinical testing. Allele origin: germline.
Comment: This sequence change replaces arginine, which is basic and polar, with serine, which is neutral and polar, at codon 1098 of the MLH3 protein (p.Arg1098Ser). This variant is present in population databases (no rsID available, gnomAD 0.0009%). This variant has not been reported in the literature in individuals affected with MLH3-related conditions. ClinVar contains an entry for this variant (Variation ID: 410892). An algorithm developed to predict the effect of missense changes on protein structure and function (PolyPhen-2) suggests that this variant is likely to be disruptive. In summary, the available evidence is currently insufficient to determine the role of this variant in disease. Therefore, it has been classified as a Variant of Uncertain Significance.

Ambry Genetics
Classification: Uncertain significance. Last evaluated: 2024-10-29. Review status: criteria provided, single submitter. Criteria: Ambry Variant Classification Scheme 2023. Collection method: clinical testing. Allele origin: germline.

NM_001040108.2(MLH3):c.3294G>T (p.Arg1098Ser)

Gene: MLH3 (mutL homolog 3; minus strand). Cytogenetic location: 14q24.3.
Variant type: single nucleotide variant.
Coding change: c.3294G>T on transcript NM_001040108.2 (MANE Select); coding-DNA position 3294, G replaced by T.
Protein change: p.Arg1098Ser; replaces arginine 1098 with serine.
Molecular consequence: missense variant.
Genome position (GRCh38, 1-based): chr14:75,042,464, C>A on the plus strand (G>T on the coding strand, the complement: MLH3 is on the minus strand). VCF-style: chr14-75042464-C-A. GRCh37 (hg19) VCF-style: chr14-75509167-C-A.
Other names: c.3294G>T, p.Arg1098Ser (NM_014381.3); short protein forms R1098S.
Identifiers: ClinVar variation 410892 (VCV000410892.12), dbSNP rs1060503068, ClinGen allele CA16614139.